The following is an entry in ClinVar:

ClinVar aggregate classification (germline): Benign/Likely benign. Review status: criteria provided, multiple submitters, no conflicts (2 of 4 stars). 6 submissions from 6 submitters: Benign (1); Likely benign (2). 3 of the submissions do not count toward it. Last evaluated 2026-01-28.

Conditions:
HOGA1-related disorder. Also called: HOGA1-related condition.
Primary hyperoxaluria type 3. Also called: PH III. Identifiers: Orphanet 416, Orphanet 93600, MedGen C3150878, MONDO:0013327, OMIM 613616. Disease mechanism: loss of function.

Allele frequency attached by ClinVar (database versions not stated): gnomAD exomes 0.00105; ExAC 0.00129; gnomAD 0.00367; ESP Exome Variant Server 0.00423; TOPMed 0.00471; 1000 Genomes Project 30x 0.00531; 1000 Genomes Project 0.00539.

Submissions (6):

Labcorp Genetics (formerly Invitae), Labcorp
Classification: Benign. Last evaluated: 2026-01-28. Review status: criteria provided, single submitter. Criteria: Invitae Variant Classification Sherloc (09022015). Collection method: clinical testing. Allele origin: germline.

Illumina Laboratory Services, Illumina
Classification: Likely benign for Primary hyperoxaluria type 3. Last evaluated: 2018-01-13. Review status: criteria provided, single submitter. Criteria: ICSL Variant Classification Criteria 13 December 2019. Collection method: clinical testing. Allele origin: germline.
Comment: This variant was observed in the ICSL laboratory as part of a predisposition screen in an ostensibly healthy population. It had not been previously curated by ICSL or reported in the Human Gene Mutation Database (HGMD: prior to June 1st, 2018), and was therefore a candidate for classification through an automated scoring system. Utilizing variant allele frequency, disease prevalence and penetrance estimates, and inheritance mode, an automated score was calculated to assess if this variant is too frequent to cause the disease. Based on the score and internal cut-off values, a variant classified as likely benign is not then subjected to further curation. The score for this variant resulted in a classification of likely benign for this disease.

Breakthrough Genomics
Classification: Likely benign. Review status: criteria provided, single submitter. Criteria: ACMG Guidelines, 2015. Collection method: not provided. Allele origin: germline. Inheritance: Autosomal recessive inheritance. Affected: yes.

Genetic Services Laboratory, University of Chicago
Classification: Benign. Last evaluated: 2022-11-03. Review status: no assertion criteria provided. Collection method: clinical testing. Allele origin: germline. Affected: no. Not counted in ClinVar's aggregate classification.

Natera, Inc.
Classification: Benign for Primary hyperoxaluria type III. Last evaluated: 2020-04-11. Review status: no assertion criteria provided. Collection method: clinical testing. Allele origin: germline. Not counted in ClinVar's aggregate classification.

PreventionGenetics, part of Exact Sciences
Classification: Benign for HOGA1-related condition. Last evaluated: 2019-11-26. Review status: no assertion criteria provided. Collection method: clinical testing. Allele origin: germline. Not counted in ClinVar's aggregate classification.
Comment: This variant is classified as benign based on ACMG/AMP sequence variant interpretation guidelines (Richards et al. 2015 PMID: 25741868, with internal and published modifications).

NM_138413.4(HOGA1):c.700+7C>T

Gene: HOGA1 (4-hydroxy-2-oxoglutarate aldolase 1; plus strand). Cytogenetic location: 10q24.2.
Variant type: single nucleotide variant.
Coding change: c.700+7C>T on transcript NM_138413.4 (MANE Select); 7 bases into the intron after coding-DNA position 700, C replaced by T.
Molecular consequence: intron variant.
Genome position (GRCh38, 1-based): chr10:97,600,170, C>T. VCF-style: chr10-97600170-C-T. GRCh37 (hg19) VCF-style: chr10-99359927-C-T.
Other names: c.212-1687C>T (NM_001134670.2).
Identifiers: ClinVar variation 301792 (VCV000301792.19), dbSNP rs57616820, ClinGen allele CA5634197.